The following is an entry in ClinVar:

ClinVar aggregate classification (germline): Uncertain significance (1 of 4 stars; one submission).

Allele frequency attached by ClinVar (database versions not stated): gnomAD exomes below 0.00001; TOPMed below 0.00001; gnomAD 0.00001.

Submission:

Mayo Clinic Laboratories, Mayo Clinic
Classification: Uncertain significance. Last evaluated: 2022-09-09. Review status: criteria provided, single submitter. Criteria: ACMG Guidelines, 2015. Collection method: clinical testing. Allele origin: germline. Observed: 1 variant allele.
Comment: PM2

NM_000140.5(FECH):c.613G>A (p.Ala205Thr)

Gene: FECH (ferrochelatase; minus strand). Cytogenetic location: 18q21.31.
Variant type: single nucleotide variant.
Coding change: c.613G>A on transcript NM_000140.5 (MANE Select); coding-DNA position 613, G replaced by A.
Protein change: p.Ala205Thr; replaces alanine 205 with threonine.
Molecular consequence: missense variant.
Genome position (GRCh38, 1-based): chr18:57,562,966, C>T on the plus strand (G>A on the coding strand, the complement: FECH is on the minus strand). VCF-style: chr18-57562966-C-T. GRCh37 (hg19) VCF-style: chr18-55230198-C-T.
Other names: p.Ala205Thr; c.631G>A, p.Ala211Thr (NM_001012515.4); c.613G>A, p.Ala205Thr (NM_001371094.1, NM_001374778.1); c.397G>A, p.Ala133Thr (NM_001371095.1); short protein forms A133T, A205T, A211T.
Identifiers: ClinVar variation 2683459 (VCV002683459.1), dbSNP rs1247892176, ClinGen allele CA402536029.